The following is an entry in ClinVar:

ClinVar aggregate classification (germline): Uncertain significance (1 of 4 stars; one submission).

gnomAD v4.1: 23 of 1,612,416 alleles (0.0014%); highest among the groups gnomAD compares: South Asian, 0.0044%; no homozygotes.

Submission:

Labcorp Genetics (formerly Invitae), Labcorp
Classification: Uncertain significance. Last evaluated: 2024-06-05. Review status: criteria provided, single submitter. Criteria: Invitae Variant Classification Sherloc (09022015). Collection method: clinical testing. Allele origin: germline.
Comment: This sequence change replaces alanine, which is neutral and non-polar, with valine, which is neutral and non-polar, at codon 378 of the FBN3 protein (p.Ala378Val). This variant is present in population databases (rs200718957, gnomAD 0.007%). This variant has not been reported in the literature in individuals affected with FBN3-related conditions. An algorithm developed to predict the effect of missense changes on protein structure and function (PolyPhen-2) suggests that this variant is likely to be tolerated. In summary, the available evidence is currently insufficient to determine the role of this variant in disease. Therefore, it has been classified as a Variant of Uncertain Significance.

NM_032447.5(FBN3):c.1133C>T (p.Ala378Val)

Gene: FBN3 (fibrillin 3; minus strand). Cytogenetic location: 19p13.2.
Variant type: single nucleotide variant.
Coding change: c.1133C>T on transcript NM_032447.5 (MANE Select); coding-DNA position 1133, C replaced by T.
Protein change: p.Ala378Val; replaces alanine 378 with valine.
Molecular consequence: missense variant.
Genome position (GRCh38, 1-based): chr19:8,138,209, G>A on the plus strand (C>T on the coding strand, the complement: FBN3 is on the minus strand). VCF-style: chr19-8138209-G-A. GRCh37 (hg19) VCF-style: chr19-8203093-G-A.
Other names: c.1133C>T, p.Ala378Val (NM_001321431.2); short protein forms A378V.
Identifiers: ClinVar variation 3624085 (VCV003624085.2).
Genomic context (GRCh38, chr19:8,138,209, plus strand): 5'-GAGTTGCCAGGGCCCAGGCTGGGGATCCCACGCGCATCAGAGCCATGGGGGTTGAGTCGC[G>A]CTGGCCCAAGAGGGGGACCCATGCCATTGGATCCGAAGCCCAGGAGGCCAGGGAAGAGGC-3'
Protein context (NP_115823.3, residues 368-388): SNGMGPPLGP[Ala378Val]RLNPHGSDAR